The following is an entry in ClinVar:

ClinVar aggregate classification (germline): Pathogenic (1 of 4 stars; one submission).

Conditions:
Ataxia-telangiectasia syndrome (AT). Also called: Ataxia-telangiectasia, complementation group D; AT, COMPLEMENTATION GROUP C; ATAXIA-TELANGIECTASIA, COMPLEMENTATION GROUP A; ATAXIA-TELANGIECTASIA, FRESNO VARIANT; Ataxia-telangiectasia; Ataxia-telangiectasia, complementation group E. Identifiers: Orphanet 100, MedGen C0004135, MONDO:0008840, OMIM 208900.

Submission:

Labcorp Genetics (formerly Invitae), Labcorp
Classification: Pathogenic for Ataxia-telangiectasia syndrome. Last evaluated: 2025-11-19. Review status: criteria provided, single submitter. Criteria: Invitae Variant Classification Sherloc (09022015). Collection method: clinical testing. Allele origin: germline.
Comment: This sequence change creates a premature translational stop signal (p.Leu2427*) in the ATM gene. It is expected to result in an absent or disrupted protein product. Loss-of-function variants in ATM are known to be pathogenic (PMID: 23807571, 25614872). This variant is not present in population databases (gnomAD no frequency). This variant has not been reported in the literature in individuals affected with ATM-related conditions. RNA analysis provides insufficient evidence to determine the effect of this variant on ATM splicing (internal data). For these reasons, this variant has been classified as Pathogenic.

Literature cited by the submitters: PubMed 23807571; PubMed 25614872.

NM_000051.4(ATM):c.7279_7280del (p.Leu2426_Leu2427insTer)

Genes: ATM (ATM serine/threonine kinase; plus strand), C11orf65 (chromosome 11 open reading frame 65; minus strand). Cytogenetic location: 11q22.3.
Variant type: Deletion.
Coding change: c.7279_7280del on transcript NM_000051.4 (MANE Select); coding-DNA positions 7279 to 7280, 2 bases deleted (CT; older notation c.7279_7280delCT).
Protein change: p.Leu2426_Leu2427insTer.
Molecular consequence: nonsense. On other transcripts: intron variant (2).
Genome position (GRCh38, 1-based): chr11:108,329,210-108,329,211, CT deleted. VCF-style (leftmost placement, unchanged base first): chr11-108329209-CCT-C. GRCh37 (hg19) VCF-style: chr11-108199936-CCT-C.
Other names: c.7279_7280del, p.Leu2426_Leu2427insTer (NM_001351834.2); c.641-20140_641-20139del (NM_001330368.2); c.*38+6009_*38+6010del (NM_001351110.2).
Identifiers: ClinVar variation 4731418 (VCV004731418.1).